The following is an entry in ClinVar:

NM_001291303.3(FAT4):c.14462G>T (p.Cys4821Phe)

Gene: FAT4 (FAT atypical cadherin 4; plus strand). Cytogenetic location: 4q28.1.
Variant type: single nucleotide variant.
Coding change: c.14462G>T on transcript NM_001291303.3 (MANE Select); coding-DNA position 14462, G replaced by T.
Protein change: p.Cys4821Phe; replaces cysteine 4821 with phenylalanine.
Molecular consequence: missense variant.
Genome position (GRCh38, 1-based): chr4:125,491,278, G>T. VCF-style: chr4-125491278-G-T. GRCh37 (hg19) VCF-style: chr4-126412433-G-T.
Other names: c.14459G>T, p.Cys4820Phe (NM_001291285.3); c.14456G>T, p.Cys4819Phe (NM_024582.6); short protein forms C4819F, C4820F, C4821F.
Identifiers: ClinVar variation 1307768 (VCV001307768.3), dbSNP rs889999062, ClinGen allele CA358142459.
Genomic context (GRCh38, chr4:125,491,278, plus strand): 5'-GCCCTAGAAACCCAAGTATCTGCAGTGCAGACCATGGGAGGTCTTCTTCAGAGGAGGACT[G>T]CAGAAGGCCACTGTCTAGAACAAGGAATCCAGCGGATGGCATTCCAGCTCCAGAATCCTC-3'
Protein context (NP_001278232.1, residues 4811-4831): DHGRSSSEED[Cys4821Phe]RRPLSRTRNP

ClinVar aggregate classification (germline): Uncertain significance. Review status: criteria provided, multiple submitters, no conflicts (2 of 4 stars). 2 submissions from 2 submitters: Uncertain significance (2). Last evaluated 2024-04-22.

Conditions:
Inborn genetic diseases. Identifiers: MedGen C0950123, MeSH D030342.

gnomAD v4.1: 1 of 1,614,150 alleles (0.000062%); no homozygotes.

Submissions (2):

Ambry Genetics
Classification: Uncertain significance for Inborn genetic diseases. Last evaluated: 2024-04-22. Review status: criteria provided, single submitter. Criteria: Ambry Variant Classification Scheme 2023. Collection method: clinical testing. Allele origin: germline.

GeneDx
Classification: Uncertain significance. Last evaluated: 2019-08-14. Review status: criteria provided, single submitter. Criteria: GeneDx Variant Classification Process June 2021. Collection method: clinical testing. Allele origin: germline. Affected: yes.
Comment: Not observed in large population cohorts (Lek et al., 2016); In silico analysis, which includes protein predictors and evolutionary conservation, supports a deleterious effect; Has not been previously published as pathogenic or benign to our knowledge